The following is an entry in ClinVar:

ClinVar aggregate classification (germline): Uncertain significance (1 of 4 stars; one submission).

Conditions:
Ehlers-Danlos syndrome, kyphoscoliotic type 1 (EDSKSCL1). Also called: PLOD1-Related Kyphoscoliotic Ehlers-Danlos Syndrome; EHLERS-DANLOS SYNDROME, TYPE VIA; EHLERS-DANLOS SYNDROME, OCULAR-SCOLIOTIC TYPE; Ehlers-Danlos syndrome, hydroxylysine-deficient. Identifiers: Orphanet 1900, MedGen C0268342, MONDO:0016002, OMIM 225400. Disease mechanism: loss of function.

Allele frequency attached by ClinVar (database versions not stated): gnomAD exomes below 0.00001.
gnomAD v4.1: 1 of 1,614,104 alleles (0.000062%); highest among the groups gnomAD compares: Non-Finnish European, 0.000085%; no homozygotes.

Submission:

Labcorp Genetics (formerly Invitae), Labcorp
Classification: Uncertain significance for Ehlers-Danlos syndrome, kyphoscoliotic type 1. Last evaluated: 2021-08-26. Review status: criteria provided, single submitter. Criteria: Invitae Variant Classification Sherloc (09022015). Collection method: clinical testing. Allele origin: germline.
Comment: This sequence change replaces serine with glycine at codon 176 of the PLOD1 protein (p.Ser176Gly). The serine residue is weakly conserved and there is a small physicochemical difference between serine and glycine. This variant is not present in population databases (ExAC no frequency). This variant has not been reported in the literature in individuals affected with PLOD1-related conditions. Algorithms developed to predict the effect of missense changes on protein structure and function output the following: SIFT: "Tolerated"; PolyPhen-2: "Benign"; Align-GVGD: "Class C0". The glycine amino acid residue is found in multiple mammalian species, which suggests that this missense change does not adversely affect protein function. In summary, the available evidence is currently insufficient to determine the role of this variant in disease. Therefore, it has been classified as a Variant of Uncertain Significance.

NM_000302.4(PLOD1):c.526A>G (p.Ser176Gly)

Gene: PLOD1 (procollagen-lysine,2-oxoglutarate 5-dioxygenase 1; plus strand). Cytogenetic location: 1p36.22.
Variant type: single nucleotide variant.
Coding change: c.526A>G on transcript NM_000302.4 (MANE Select); coding-DNA position 526, A replaced by G.
Protein change: p.Ser176Gly; replaces serine 176 with glycine.
Molecular consequence: missense variant.
Genome position (GRCh38, 1-based): chr1:11,952,682, A>G. VCF-style: chr1-11952682-A-G. GRCh37 (hg19) VCF-style: chr1-12012739-A-G.
Other names: c.667A>G, p.Ser223Gly (NM_001316320.2); short protein forms S223G, S176G.
Identifiers: ClinVar variation 665803 (VCV000665803.8), dbSNP rs1569694008, ClinGen allele CA338428327.